The following is an entry in ClinVar:

NM_018297.4(NGLY1):c.1868_1870del (p.Gly623del)

Gene: NGLY1 (N-glycanase 1; minus strand). Cytogenetic location: 3p24.2.
Variant type: Deletion.
Coding change: c.1868_1870del on transcript NM_018297.4 (MANE Select); coding-DNA positions 1868 to 1870, 3 bases deleted (GTG; older notation c.1868_1870delGTG).
Protein change: p.Gly623del; deletes glycine 623.
Molecular consequence: inframe deletion. On other transcripts: 3 prime UTR variant (1).
Genome position (GRCh38, 1-based): chr3:25,719,555-25,719,557, CAC deleted on the plus strand (GTG on the coding strand, the reverse complement: NGLY1 is on the minus strand); deleting any 3 consecutive bases within chr3:25,719,555-25,719,559 gives the same sequence; the c. name uses the placement nearest the transcript's 3' end. VCF-style (leftmost placement, unchanged base first): chr3-25719554-TCAC-T. GRCh37 (hg19) VCF-style: chr3-25761045-TCAC-T.
Other names: c.1868_1870del (NM_018297.3); c.1814_1816del, p.Gly605del (NM_001145293.2); c.1742_1744del, p.Gly581del (NM_001145294.2); c.*13_*15del (NM_001145295.2); short protein forms G581del, G605del, G623del.
Identifiers: ClinVar variation 650805 (VCV000650805.9), dbSNP rs771630737, ClinGen allele CA2289041.

ClinVar aggregate classification (germline): Uncertain significance. Review status: criteria provided, multiple submitters, no conflicts (2 of 4 stars). 2 submissions from 2 submitters: Uncertain significance (2). Last evaluated 2025-02-12.

Conditions:
Congenital disorder of deglycosylation (CDDG). Identifiers: MedGen C3808991, MONDO:0031376.

Submissions (2):

GeneDx
Classification: Uncertain significance. Last evaluated: 2025-02-12. Review status: criteria provided, single submitter. Criteria: GeneDx Variant Classification Process June 2021. Collection method: clinical testing. Allele origin: germline. Affected: yes.
Comment: Not observed at significant frequency in large population cohorts (gnomAD); In-frame deletion of 1 amino acid(s) in a non-repeat region; In silico analysis supports a deleterious effect on protein structure/function; Has not been previously published as pathogenic or benign to our knowledge

Labcorp Genetics (formerly Invitae), Labcorp
Classification: Uncertain significance for Congenital disorder of deglycosylation. Last evaluated: 2021-09-17. Review status: criteria provided, single submitter. Criteria: Invitae Variant Classification Sherloc (09022015). Collection method: clinical testing. Allele origin: germline.
Comment: This variant, c.1868_1870del, results in the deletion of 1 amino acid(s) of the NGLY1 protein (p.Gly623del), but otherwise preserves the integrity of the reading frame. This variant is present in population databases (rs771630737, ExAC 0.003%). This variant has not been reported in the literature in individuals affected with NGLY1-related conditions. Experimental studies and prediction algorithms are not available or were not evaluated, and the functional significance of this variant is currently unknown. In summary, the available evidence is currently insufficient to determine the role of this variant in disease. Therefore, it has been classified as a Variant of Uncertain Significance.